The following is an entry in ClinVar:

NM_003803.4(MYOM1):c.1052G>A (p.Arg351Gln)

Gene: MYOM1 (myomesin 1; minus strand). Cytogenetic location: 18p11.31.
Variant type: single nucleotide variant.
Coding change: c.1052G>A on transcript NM_003803.4 (MANE Select); coding-DNA position 1052, G replaced by A.
Protein change: p.Arg351Gln; replaces arginine 351 with glutamine.
Molecular consequence: missense variant.
Genome position (GRCh38, 1-based): chr18:3,174,179, C>T on the plus strand (G>A on the coding strand, the complement: MYOM1 is on the minus strand). VCF-style: chr18-3174179-C-T. GRCh37 (hg19) VCF-style: chr18-3174177-C-T.
Other names: c.1052G>A, p.Arg351Gln (NM_019856.2); short protein forms R351Q.
Identifiers: ClinVar variation 651670 (VCV000651670.11), dbSNP rs369420540, ClinGen allele CA8875075.

ClinVar aggregate classification (germline): Uncertain significance. Review status: criteria provided, multiple submitters, no conflicts (2 of 4 stars). 3 submissions from 3 submitters: Uncertain significance (3). Last evaluated 2025-06-12.

Conditions:
Hypertrophic cardiomyopathy. Also called: HYPERTROPHIC MYOCARDIOPATHY. Identifiers: Orphanet 217569, MedGen C0007194, MeSH D002312, MONDO:0005045, HP:0001639.

Allele frequency attached by ClinVar (database versions not stated): gnomAD exomes 0.00003 and 0.00005; ExAC 0.00007; ESP Exome Variant Server 0.00008; gnomAD 0.00027 and 0.00029; TOPMed 0.00032.
gnomAD v4.1: 88 of 1,613,782 alleles (0.0055%); highest among the groups gnomAD compares: African/African-American, 0.075%; no homozygotes.

Submissions (3):

Labcorp Genetics (formerly Invitae), Labcorp
Classification: Uncertain significance for Hypertrophic cardiomyopathy. Last evaluated: 2025-06-12. Review status: criteria provided, single submitter. Criteria: Invitae Variant Classification Sherloc (09022015). Collection method: clinical testing. Allele origin: germline.
Comment: This sequence change replaces arginine, which is basic and polar, with glutamine, which is neutral and polar, at codon 351 of the MYOM1 protein (p.Arg351Gln). This variant is present in population databases (rs369420540, gnomAD 0.07%), and has an allele count higher than expected for a pathogenic variant. This variant has not been reported in the literature in individuals affected with MYOM1-related conditions. ClinVar contains an entry for this variant (Variation ID: 651670). Invitae Evidence Modeling of protein sequence and biophysical properties (such as structural, functional, and spatial information, amino acid conservation, physicochemical variation, residue mobility, and thermodynamic stability) has been performed for this missense variant. However, the output from this modeling did not meet the statistical confidence thresholds required to predict the impact of this variant on MYOM1 protein function. In summary, the available evidence is currently insufficient to determine the role of this variant in disease. Therefore, it has been classified as a Variant of Uncertain Significance.

Revvity Omics, Revvity
Classification: Uncertain significance. Last evaluated: 2021-06-19. Review status: criteria provided, single submitter. Criteria: ACMG Guidelines, 2015. Collection method: clinical testing. Allele origin: germline.

Center for Genomics, Ann and Robert H. Lurie Children's Hospital of Chicago
Classification: Uncertain significance. Last evaluated: 2021-03-30. Review status: criteria provided, single submitter. Criteria: ACMG Guidelines, 2015. Collection method: clinical testing. Allele origin: germline.
Comment: MYOM1 NM_003803.3 exon 7 p.Arg351Gln (c.1052G>A): This variant has not been reported in the literature and is present in 0.06% (16/24012) of African alleles in the Genome Aggregation Database. Evolutionary conservation and computational predictive tools suggest that this variant may impact the protein. In summary, data on this variant is insufficient for disease classification. Therefore, the clinical significance of this variant is uncertain.